The following is an entry in ClinVar:

NM_006231.4(POLE):c.2395G>A (p.Val799Met)

Gene: POLE (DNA polymerase epsilon, catalytic subunit; minus strand). Cytogenetic location: 12q24.33.
Variant type: single nucleotide variant.
Coding change: c.2395G>A on transcript NM_006231.4 (MANE Select); coding-DNA position 2395, G replaced by A.
Protein change: p.Val799Met; replaces valine 799 with methionine.
Molecular consequence: missense variant.
Genome position (GRCh38, 1-based): chr12:132,665,375, C>T on the plus strand (G>A on the coding strand, the complement: POLE is on the minus strand). VCF-style: chr12-132665375-C-T. GRCh37 (hg19) VCF-style: chr12-133241961-C-T.
Other names: c.2395G>A (NM_006231.2); short protein forms V799M.
Identifiers: ClinVar variation 944684 (VCV000944684.10), dbSNP rs759786727, ClinGen allele CA6893570.
Genomic context (GRCh38, chr12:132,665,375, plus strand): 5'-CATAGCCATAGAAGGAGTTCAGGATGCACTTGTGGGCCAGCTGCAGCGAGTCATACAGCA[C>T]CTCCATGTTCTTGCAGCGCTTCACCTCAGCCGCGTCGCCCACCTCCACGGCCGCCGAGAG-3'
Protein context (NP_006222.2, residues 789-809): AEVKRCKNME[Val799Met]LYDSLQLAHK

ClinVar aggregate classification (germline): Uncertain significance. Review status: criteria provided, multiple submitters, no conflicts (2 of 4 stars). 2 submissions from 2 submitters: Uncertain significance (2). Last evaluated 2026-06-01.

Conditions:
Hereditary cancer-predisposing syndrome. Also called: Hereditary Cancer Syndrome; Neoplastic Syndromes, Hereditary; Tumor predisposition; Hereditary neoplastic syndrome. Identifiers: Orphanet 140162, MedGen C0027672, MeSH D009386, MONDO:0015356.

Allele frequency attached by ClinVar (database versions not stated): ExAC 0.00001; gnomAD exomes below 0.00001.
gnomAD v4.1: 1 of 1,613,974 alleles (0.000062%); highest among the groups gnomAD compares: Non-Finnish European, 0.000085%; no homozygotes.

Submissions (2):

Ambry Genetics
Classification: Uncertain significance for Hereditary cancer-predisposing syndrome. Last evaluated: 2026-06-01. Review status: criteria provided, single submitter. Criteria: Ambry Variant Classification Scheme 2023. Collection method: clinical testing. Allele origin: germline.
Comment: The p.V799M variant (also known as c.2395G>A), located in coding exon 21 of the POLE gene, results from a G to A substitution at nucleotide position 2395. The valine at codon 799 is replaced by methionine, an amino acid with highly similar properties. This amino acid position is not well conserved in available vertebrate species. In addition, this alteration is predicted to be tolerated by in silico analysis. Based on the available evidence, the clinical significance of this variant remains unclear.

Labcorp Genetics (formerly Invitae), Labcorp
Classification: Uncertain significance. Last evaluated: 2023-01-05. Review status: criteria provided, single submitter. Criteria: Invitae Variant Classification Sherloc (09022015). Collection method: clinical testing. Allele origin: germline.
Comment: In summary, the available evidence is currently insufficient to determine the role of this variant in disease. Therefore, it has been classified as a Variant of Uncertain Significance. Advanced modeling of protein sequence and biophysical properties (such as structural, functional, and spatial information, amino acid conservation, physicochemical variation, residue mobility, and thermodynamic stability) performed at Invitae indicates that this missense variant is expected to disrupt POLE protein function. ClinVar contains an entry for this variant (Variation ID: 944684). This variant has not been reported in the literature in individuals affected with POLE-related conditions. This variant is present in population databases (rs759786727, gnomAD 0.0009%). This sequence change replaces valine, which is neutral and non-polar, with methionine, which is neutral and non-polar, at codon 799 of the POLE protein (p.Val799Met).